The following is an entry in ClinVar:

ClinVar aggregate classification (germline): Uncertain significance. Review status: criteria provided, multiple submitters, no conflicts (2 of 4 stars). 2 submissions from 2 submitters: Uncertain significance (2). Last evaluated 2022-04-17.

Conditions:
Bethlem myopathy 1A. Also called: MYOPATHY, BENIGN CONGENITAL, WITH CONTRACTURES; Bethlem Muscular Dystrophy; Bethlem myopathy 1. Identifiers: Orphanet 610, MedGen CN029274, MONDO:0024530, OMIM 158810.

Allele frequency attached by ClinVar (database versions not stated): gnomAD exomes below 0.00001; ExAC 0.00001.

Submissions (2):

Labcorp Genetics (formerly Invitae), Labcorp
Classification: Uncertain significance for Bethlem myopathy 1A. Last evaluated: 2022-04-17. Review status: criteria provided, single submitter. Criteria: Invitae Variant Classification Sherloc (09022015). Collection method: clinical testing. Allele origin: germline.
Comment: In summary, the available evidence is currently insufficient to determine the role of this variant in disease. Therefore, it has been classified as a Variant of Uncertain Significance. Algorithms developed to predict the effect of sequence changes on RNA splicing suggest that this variant may create or strengthen a splice site. Experimental studies and prediction algorithms are not available or were not evaluated, and the functional significance of this variant is currently unknown. This variant has been observed in individual(s) with clinical features of autosomal recessive COL6A2-related conditions (Invitae). In at least one individual the data is consistent with being in trans (on the opposite chromosome) from a pathogenic variant. This variant is present in population databases (rs753952104, gnomAD 0.01%). This variant, c.2570_2581dup, results in the insertion of 4 amino acid(s) of the COL6A2 protein (p.Ala860_Arg861insGlnGlnValAla), but otherwise preserves the integrity of the reading frame.

Revvity Omics, Revvity
Classification: Uncertain significance. Last evaluated: 2019-09-24. Review status: criteria provided, single submitter. Criteria: ACMG Guidelines, 2015. Collection method: clinical testing. Allele origin: germline.

NM_001849.4(COL6A2):c.2570_2581dup (p.Ala860_Arg861insGlnGlnValAla)

Gene: COL6A2 (collagen type VI alpha 2 chain; plus strand). Cytogenetic location: 21q22.3.
Variant type: Duplication.
Coding change: c.2570_2581dup on transcript NM_001849.4 (MANE Select); coding-DNA positions 2570 to 2581, 12 bases duplicated (AGCAGGTGGCGC).
Protein change: p.Ala860_Arg861insGlnGlnValAla.
Molecular consequence: inframe insertion.
Genome position (GRCh38, 1-based): chr21:46,132,062-46,132,073, AGCAGGTGGCGC duplicated. VCF-style (leftmost placement, unchanged base first): chr21-46132061-G-GAGCAGGTGGCGC. GRCh37 (hg19) VCF-style: chr21-47551975-G-GAGCAGGTGGCGC.
Other names: c.2570_2581dup (NM_001849.3).
Identifiers: ClinVar variation 1350601 (VCV001350601.10), dbSNP rs753952104, ClinGen allele CA10072930.